The following is an entry in ClinVar:

ClinVar aggregate classification (germline): Uncertain significance (1 of 4 stars; one submission).

Conditions:
Familial adenomatous polyposis 1 (FAP1). Also called: FAMILIAL ADENOMATOUS POLYPOSIS 1, ATTENUATED; POLYPOSIS, ADENOMATOUS INTESTINAL. Identifiers: MedGen C2713442, MONDO:0021056, OMIM 175100. Disease mechanism: loss of function.

gnomAD v4.1: 2 of 1,613,804 alleles (0.00012%); highest among the groups gnomAD compares: Non-Finnish European, 0.00017%; no homozygotes.

Submission:

Labcorp Genetics (formerly Invitae), Labcorp
Classification: Uncertain significance for Familial adenomatous polyposis 1. Last evaluated: 2024-07-10. Review status: criteria provided, single submitter. Criteria: Invitae Variant Classification Sherloc (09022015). Collection method: clinical testing. Allele origin: germline.
Comment: This sequence change replaces alanine, which is neutral and non-polar, with valine, which is neutral and non-polar, at codon 1892 of the APC protein (p.Ala1892Val). This variant is present in population databases (rs759914956, gnomAD 0.0009%). This variant has not been reported in the literature in individuals affected with APC-related conditions. Advanced modeling of protein sequence and biophysical properties (such as structural, functional, and spatial information, amino acid conservation, physicochemical variation, residue mobility, and thermodynamic stability) performed at Invitae indicates that this missense variant is not expected to disrupt APC protein function with a negative predictive value of 95%. In summary, the available evidence is currently insufficient to determine the role of this variant in disease. Therefore, it has been classified as a Variant of Uncertain Significance.

NM_000038.6(APC):c.5675C>T (p.Ala1892Val)

Gene: APC (APC regulator of Wnt signaling pathway; plus strand). Cytogenetic location: 5q22.2.
Variant type: single nucleotide variant.
Coding change: c.5675C>T on transcript NM_000038.6 (MANE Select); coding-DNA position 5675, C replaced by T.
Protein change: p.Ala1892Val; replaces alanine 1892 with valine.
Molecular consequence: missense variant. On other transcripts: non-coding transcript variant (2).
Genome position (GRCh38, 1-based): chr5:112,841,269, C>T. VCF-style: chr5-112841269-C-T. GRCh37 (hg19) VCF-style: chr5-112176966-C-T.
Other names: c.5426C>T, p.Ala1809Val (NM_001407454.1, NM_001407455.1, NM_001407456.1 and 1 more transcripts); c.5372C>T, p.Ala1791Val (NM_001407458.1, NM_001407459.1, NM_001407460.1 and 1 more transcripts); c.5288C>T, p.Ala1763Val (NM_001407467.1, NM_001407469.1); c.4826C>T, p.Ala1609Val (NM_001407470.1, NM_001354906.2); c.4523C>T, p.Ala1508Val (NM_001407471.1, NM_001407472.1); c.5675C>T, p.Ala1892Val (NM_001127510.3, NM_001354895.2, NM_001407450.1); c.5621C>T, p.Ala1874Val (NM_001127511.3); c.5729C>T, p.Ala1910Val (NM_001354896.2, NM_001407447.1, NM_001407448.1 and 1 more transcripts); and 11 more; short protein forms A1801V, A1809V, A1882V, A1885V, A1763V, A1766V, A1864V, A1892V.
Identifiers: ClinVar variation 3635489 (VCV003635489.2).